The following is an entry in ClinVar:

ClinVar aggregate classification (germline): Uncertain significance (1 of 4 stars; one submission).

Conditions:
UDPglucose-4-epimerase deficiency. Also called: GALACTOSEMIA III; GALE DEFICIENCY; Epimerase Deficiency Galactosemia; UDP-GALACTOSE-4-EPIMERASE DEFICIENCY; Galactose epimerase deficiency; UDPglucose 4-Epimerase Deficiency Disease. Identifiers: Orphanet 352, Orphanet 79238, MedGen C0751161, MONDO:0009257, OMIM 230350.

Submission:

Labcorp Genetics (formerly Invitae), Labcorp
Classification: Uncertain significance for UDPglucose-4-epimerase deficiency. Last evaluated: 2022-08-19. Review status: criteria provided, single submitter. Criteria: Invitae Variant Classification Sherloc (09022015). Collection method: clinical testing. Allele origin: germline.
Comment: This variant, c.699_700insTCAGAG, results in the insertion of 2 amino acid(s) of the GALE protein (p.Glu233_Asp234insSerGlu), but otherwise preserves the integrity of the reading frame. This variant is not present in population databases (gnomAD no frequency). This variant has not been reported in the literature in individuals affected with GALE-related conditions. In summary, the available evidence is currently insufficient to determine the role of this variant in disease. Therefore, it has been classified as a Variant of Uncertain Significance.

NM_001008216.2(GALE):c.699_700insTCAGAG (p.Glu233_Asp234insSerGlu)

Gene: GALE (UDP-galactose-4-epimerase; minus strand). Cytogenetic location: 1p36.11.
Variant type: Microsatellite.
Coding change: c.699_700insTCAGAG on transcript NM_001008216.2 (MANE Select); coding-DNA positions 699 to 700, TCAGAG inserted.
Protein change: p.Glu233_Asp234insSerGlu.
Molecular consequence: inframe insertion.
Genome position: GRCh38 VCF-style: chr1-23796885-C-CCTCTGA. GRCh37 (hg19) VCF-style: chr1-24123375-C-CCTCTGA.
Other names: c.699_700insTCAGAG, p.Glu233_Asp234insSerGlu (NM_000403.4, NM_001127621.2).
Identifiers: ClinVar variation 2024665 (VCV002024665.4), dbSNP rs2521288592.